The following is an entry in ClinVar:

NM_001378414.1(HDAC4):c.1540C>T (p.Pro514Ser)

Gene: HDAC4 (histone deacetylase 4; minus strand). Cytogenetic location: 2q37.3.
Variant type: single nucleotide variant.
Coding change: c.1540C>T on transcript NM_001378414.1 (MANE Select); coding-DNA position 1540, C replaced by T.
Protein change: p.Pro514Ser; replaces proline 514 with serine.
Molecular consequence: missense variant.
Genome position (GRCh38, 1-based): chr2:239,115,304, G>A on the plus strand (C>T on the coding strand, the complement: HDAC4 is on the minus strand). VCF-style: chr2-239115304-G-A. GRCh37 (hg19) VCF-style: chr2-240037000-G-A.
Other names: c.1540C>T, p.Pro514Ser (NM_001378415.1); c.1525C>T, p.Pro509Ser (NM_001378416.1, NM_001378417.1, NM_006037.4); short protein forms P509S, P514S.
Identifiers: ClinVar variation 1309800 (VCV001309800.2), dbSNP rs2152810327, ClinGen allele CA351269077.

ClinVar aggregate classification (germline): Uncertain significance (1 of 4 stars; one submission).

Submission:

GeneDx
Classification: Uncertain significance. Last evaluated: 2019-11-07. Review status: criteria provided, single submitter. Criteria: GeneDx Variant Classification Process June 2021. Collection method: clinical testing. Allele origin: germline. Affected: yes.
Comment: Has not been previously published as pathogenic or benign to our knowledge; Not observed in large population cohorts (Lek et al., 2016); In silico analysis, which includes protein predictors and evolutionary conservation, supports that this variant does not alter protein structure/function